The following is an entry in ClinVar:

ClinVar aggregate classification (germline): Benign (1 of 4 stars; one submission).

Conditions:
Cayman type cerebellar ataxia. Also called: Cayman ataxia. Identifiers: Orphanet 94122, MedGen C1832585, MONDO:0011025, OMIM 601238.

Allele frequency attached by ClinVar (database versions not stated): 1000 Genomes Project 0.02017; gnomAD 0.02057 and 0.02206; TOPMed 0.02243; 1000 Genomes Project 30x 0.02311.

Submission:

Illumina Laboratory Services, Illumina
Classification: Benign for Cayman type cerebellar ataxia. Last evaluated: 2018-01-12. Review status: criteria provided, single submitter. Criteria: ICSL Variant Classification Criteria 13 December 2019. Collection method: clinical testing. Allele origin: germline.
Comment: This variant was observed in the ICSL laboratory as part of a predisposition screen in an ostensibly healthy population. It had not been previously curated by ICSL or reported in the Human Gene Mutation Database (HGMD: prior to June 1st, 2018), and was therefore a candidate for classification through an automated scoring system. Utilizing variant allele frequency, disease prevalence and penetrance estimates, and inheritance mode, an automated score was calculated to assess if this variant is too frequent to cause the disease. Based on the score and internal cut-off values, a variant classified as benign is not then subjected to further curation. The score for this variant resulted in a classification of benign for this disease.

NM_033064.5(ATCAY):c.*1036G>C

Gene: ATCAY (ATCAY kinesin light chain interacting caytaxin; plus strand). Cytogenetic location: 19p13.3.
Variant type: single nucleotide variant.
Coding change: c.*1036G>C on transcript NM_033064.5 (MANE Select); 1036 bases downstream of the stop codon, G replaced by C.
Molecular consequence: 3 prime UTR variant.
Genome position (GRCh38, 1-based): chr19:3,925,628, G>C. VCF-style: chr19-3925628-G-C. GRCh37 (hg19) VCF-style: chr19-3925626-G-C.
Identifiers: ClinVar variation 329173 (VCV000329173.5), dbSNP rs73919394, ClinGen allele CA10648698.
Genomic context (GRCh38, chr19:3,925,628, plus strand): 5'-CATTCAAAGCTTGGACCAGCGGGTTCTTGTTCGGGAGGCAAATTTCCCTAGGAAAAAGAA[G>C]ACAGACTTTTCTAATGTGGTCCAAATGCGGATCACTGGTCAGATGGACTCTAGAAGCACT-3'